The following is an entry in ClinVar:

ClinVar aggregate classification (germline): Pathogenic (1 of 4 stars; one submission).

Conditions:
Maple syrup urine disease (MSUD). Identifiers: Orphanet 511, MedGen C0024776, MeSH D008375, MONDO:0009563. Disease mechanism: loss of function.

Submission:

Labcorp Genetics (formerly Invitae), Labcorp
Classification: Pathogenic for Maple syrup urine disease. Last evaluated: 2022-01-16. Review status: criteria provided, single submitter. Criteria: Invitae Variant Classification Sherloc (09022015). Collection method: clinical testing. Allele origin: germline.
Comment: This sequence change creates a premature translational stop signal (p.Ser194*) in the DBT gene. It is expected to result in an absent or disrupted protein product. Loss-of-function variants in DBT are known to be pathogenic (PMID: 16579849, 16786533). For these reasons, this variant has been classified as Pathogenic. This variant has not been reported in the literature in individuals affected with DBT-related conditions. This variant is not present in population databases (gnomAD no frequency).

Literature cited by the submitters: PubMed 16579849; PubMed 16786533.

NM_001918.5(DBT):c.581C>A (p.Ser194Ter)

Gene: DBT (dihydrolipoamide branched chain transacylase E2; minus strand). Cytogenetic location: 1p21.2.
Variant type: single nucleotide variant.
Coding change: c.581C>A on transcript NM_001918.5 (MANE Select); coding-DNA position 581, C replaced by A.
Protein change: p.Ser194Ter; replaces serine 194 with a stop codon.
Molecular consequence: nonsense. On other transcripts: non-coding transcript variant (3).
Genome position (GRCh38, 1-based): chr1:100,216,174, G>T on the plus strand (C>A on the coding strand, the complement: DBT is on the minus strand). VCF-style: chr1-100216174-G-T. GRCh37 (hg19) VCF-style: chr1-100681730-G-T.
Other names: c.38C>A, p.Ser13Ter (NM_001399969.1, NM_001399972.1); short protein forms S13*, S194*.
Identifiers: ClinVar variation 2085132 (VCV002085132.4), dbSNP rs121965003, ClinGen allele CA341338973.